The following is an entry in ClinVar:

ClinVar aggregate classification (germline): Benign (1 of 4 stars; one submission).

Allele frequency attached by ClinVar (database versions not stated): gnomAD exomes 0.00010; ExAC 0.00030; 1000 Genomes Project 0.00040; 1000 Genomes Project 30x 0.00062; ESP Exome Variant Server 0.00100; gnomAD 0.00101; TOPMed 0.00116.
gnomAD v4.1: 307 of 1,605,242 alleles (0.019%); highest among the groups gnomAD compares: African/African-American, 0.33%; 1 homozygote.

Submission:

CeGaT Center for Human Genetics Tuebingen
Classification: Benign. Last evaluated: 2024-04-01. Review status: criteria provided, single submitter. Criteria: CeGaT Center For Human Genetics Tuebingen Variant Classification Criteria Version 2. Collection method: clinical testing. Allele origin: germline. Affected: yes. Observed: 1 variant allele.
Comment: NOTCH4: BP4, BS1, BS2

NM_004557.4(NOTCH4):c.299G>A (p.Ser100Asn)

Gene: NOTCH4 (notch receptor 4; minus strand). Cytogenetic location: 6p21.32.
Variant type: single nucleotide variant.
Coding change: c.299G>A on transcript NM_004557.4 (MANE Select); coding-DNA position 299, G replaced by A.
Protein change: p.Ser100Asn; replaces serine 100 with asparagine.
Molecular consequence: missense variant. On other transcripts: non-coding transcript variant (2).
Genome position (GRCh38, 1-based): chr6:32,222,663, C>T on the plus strand (G>A on the coding strand, the complement: NOTCH4 is on the minus strand). VCF-style: chr6-32222663-C-T. GRCh37 (hg19) VCF-style: chr6-32190440-C-T.
Other names: short protein forms S100N.
Identifiers: ClinVar variation 3234181 (VCV003234181.20), dbSNP rs150167911, ClinGen allele CA3740285.